The following is an entry in ClinVar:

NM_001875.5(CPS1):c.1910T>C (p.Val637Ala)

Gene: CPS1 (carbamoyl-phosphate synthase 1; plus strand). Cytogenetic location: 2q34.
Variant type: single nucleotide variant.
Coding change: c.1910T>C on transcript NM_001875.5 (MANE Select); coding-DNA position 1910, T replaced by C.
Protein change: p.Val637Ala; replaces valine 637 with alanine.
Molecular consequence: missense variant. On other transcripts: non-coding transcript variant (2).
Genome position (GRCh38, 1-based): chr2:210,605,175, T>C. VCF-style: chr2-210605175-T-C. GRCh37 (hg19) VCF-style: chr2-211469899-T-C.
Other names: c.1910T>C, p.Val637Ala (NM_001122633.3, NM_001369257.1); c.1943T>C, p.Val648Ala (NM_001369256.1); short protein forms V637A, V648A.
Identifiers: ClinVar variation 2051721 (VCV002051721.2), dbSNP rs141562755, ClinGen allele CA2086498.

ClinVar aggregate classification (germline): Conflicting classifications of pathogenicity. Review status: criteria provided, conflicting classifications (1 of 4 stars). 2 submissions from 2 submitters: Likely pathogenic (1); Uncertain significance (1). Last evaluated 2024-06-23.

Conditions:
Congenital hyperammonemia, type I. Also called: Carbamoyl phosphate synthetase I deficiency disease; Carbamoyl phosphate synthetase 1 deficiency; Hyperammonemia due to carbamoyl phosphate synthetase 1 deficiency; CPS 1 deficiency; Carbamyl phosphate synthetase (CPS) deficiency; CPS I DEFICIENCY. Identifiers: Orphanet 147, MedGen C4082171, MONDO:0009376, OMIM 237300.
Pulmonary hypertension, neonatal, susceptibility to (PHN). Identifiers: MedGen C3714958, MONDO:0014151, OMIM 615371.

Allele frequency attached by ClinVar (database versions not stated): gnomAD exomes 0.00003; gnomAD 0.00005; ExAC 0.00006; TOPMed 0.00009; ESP Exome Variant Server 0.00015.
gnomAD v4.1: 54 of 1,612,108 alleles (0.0033%); highest among the groups gnomAD compares: Admixed American, 0.012%; no homozygotes.

Submissions (2):

Fulgent Genetics
Classification: Likely pathogenic for Congenital hyperammonemia, type I; Pulmonary hypertension, neonatal, susceptibility to. Last evaluated: 2024-06-23. Review status: criteria provided, single submitter. Criteria: ACMG Guidelines, 2015. Collection method: clinical testing. Allele origin: germline.

Labcorp Genetics (formerly Invitae), Labcorp
Classification: Uncertain significance for Congenital hyperammonemia, type I. Last evaluated: 2022-06-27. Review status: criteria provided, single submitter. Criteria: Invitae Variant Classification Sherloc (09022015). Collection method: clinical testing. Allele origin: germline.
Comment: This sequence change replaces valine, which is neutral and non-polar, with alanine, which is neutral and non-polar, at codon 637 of the CPS1 protein (p.Val637Ala). This variant is present in population databases (rs141562755, gnomAD 0.01%). This missense change has been observed in individual(s) with clinical features of CPS1-related conditions (PMID: 32154057, 33309754). Algorithms developed to predict the effect of missense changes on protein structure and function are either unavailable or do not agree on the potential impact of this missense change (SIFT: "Deleterious"; PolyPhen-2: "Possibly Damaging"; Align-GVGD: "Class C0"). In summary, the available evidence is currently insufficient to determine the role of this variant in disease. Therefore, it has been classified as a Variant of Uncertain Significance.

Literature cited by the submitters: PubMed 32154057 (cited by Labcorp Genetics (formerly Invitae), Labcorp); PubMed 33309754 (cited by Labcorp Genetics (formerly Invitae), Labcorp).